The following is an entry in ClinVar:

NM_005883.3(APC2):c.4966C>T (p.Arg1656Trp)

Gene: APC2 (APC regulator of Wnt signaling pathway 2; plus strand). Cytogenetic location: 19p13.3.
Variant type: single nucleotide variant.
Coding change: c.4966C>T on transcript NM_005883.3 (MANE Select); coding-DNA position 4966, C replaced by T.
Protein change: p.Arg1656Trp; replaces arginine 1656 with tryptophan.
Molecular consequence: missense variant.
Genome position (GRCh38, 1-based): chr19:1,468,267, C>T. VCF-style: chr19-1468267-C-T. GRCh37 (hg19) VCF-style: chr19-1468266-C-T.
Other names: c.4963C>T, p.Arg1655Trp (NM_001351273.1); c.4966C>T (NM_005883.2); short protein forms R1655W, R1656W.
Identifiers: ClinVar variation 1012915 (VCV001012915.40), dbSNP rs770760502, ClinGen allele CA9045942.

ClinVar aggregate classification (germline): Uncertain significance. Review status: criteria provided, multiple submitters, no conflicts (2 of 4 stars). 3 submissions from 3 submitters: Uncertain significance (3). Last evaluated 2024-05-26.

Conditions:
Inborn genetic diseases. Identifiers: MedGen C0950123, MeSH D030342.

Allele frequency attached by ClinVar (database versions not stated): ExAC 0.00013; TOPMed 0.00015; 1000 Genomes Project 30x 0.00016.
gnomAD v4.1: 214 of 1,529,240 alleles (0.014%); highest among the groups gnomAD compares: Middle Eastern, 0.11%; no homozygotes.

Submissions (3):

Ambry Genetics
Classification: Uncertain significance for Inborn genetic diseases. Last evaluated: 2024-05-26. Review status: criteria provided, single submitter. Criteria: Ambry Variant Classification Scheme 2023. Collection method: clinical testing. Allele origin: germline.

Labcorp Genetics (formerly Invitae), Labcorp
Classification: Uncertain significance. Last evaluated: 2022-10-18. Review status: criteria provided, single submitter. Criteria: Invitae Variant Classification Sherloc (09022015). Collection method: clinical testing. Allele origin: germline.
Comment: This sequence change replaces arginine, which is basic and polar, with tryptophan, which is neutral and slightly polar, at codon 1656 of the APC2 protein (p.Arg1656Trp). This variant is present in population databases (rs770760502, gnomAD 0.02%). This variant has not been reported in the literature in individuals affected with APC2-related conditions. ClinVar contains an entry for this variant (Variation ID: 1012915). Advanced modeling of protein sequence and biophysical properties (such as structural, functional, and spatial information, amino acid conservation, physicochemical variation, residue mobility, and thermodynamic stability) performed at Invitae indicates that this missense variant is not expected to disrupt APC2 protein function. In summary, the available evidence is currently insufficient to determine the role of this variant in disease. Therefore, it has been classified as a Variant of Uncertain Significance.

CeGaT Center for Human Genetics Tuebingen
Classification: Uncertain significance. Last evaluated: 2020-12-01. Review status: criteria provided, single submitter. Criteria: CeGaT Center For Human Genetics Tuebingen Variant Classification Criteria Version 2. Collection method: clinical testing. Allele origin: germline. Affected: yes. Observed: 1 variant allele.